The following is an entry in ClinVar:

ClinVar aggregate classification (germline): Uncertain significance (1 of 4 stars; one submission).

Conditions:
Megabladder, congenital. Identifiers: MedGen C5231472, MONDO:0032879, OMIM 618719.

Submission:

Juno Genomics, Hangzhou Juno Genomics, Inc
Classification: Uncertain significance for Megabladder, congenital. Review status: criteria provided, single submitter. Criteria: ACMG Guidelines, 2015. Collection method: clinical testing. Allele origin: germline.
Comment: Absent from controls (or at extremely low frequency if recessive) in Genome Aggregation Database.

NM_001146312.3(MYOCD):c.793T>C (p.Tyr265His)

Gene: MYOCD (myocardin; plus strand). Cytogenetic location: 17p12.
Variant type: single nucleotide variant.
Coding change: c.793T>C on transcript NM_001146312.3 (MANE Select); coding-DNA position 793, T replaced by C.
Protein change: p.Tyr265His; replaces tyrosine 265 with histidine.
Molecular consequence: missense variant.
Genome position (GRCh38, 1-based): chr17:12,744,258, T>C. VCF-style: chr17-12744258-T-C. GRCh37 (hg19) VCF-style: chr17-12647575-T-C.
Other names: c.556T>C, p.Tyr186His (NM_001378306.1); c.793T>C, p.Tyr265His (NM_153604.4); short protein forms Y186H, Y265H.
Identifiers: ClinVar variation 5005693 (VCV005005693.2).